The following is an entry in ClinVar:

NM_133379.5(TTN):c.15608T>C (p.Ile5203Thr)

Gene: TTN (titin; minus strand). Cytogenetic location: 2q31.2.
Variant type: single nucleotide variant.
Coding change: c.15608T>C on transcript NM_133379.5; coding-DNA position 15608, T replaced by C.
Protein change: p.Ile5203Thr; replaces isoleucine 5203 with threonine.
Molecular consequence: missense variant. On other transcripts: intron variant (6).
Genome position (GRCh38, 1-based): chr2:178,746,792, A>G on the plus strand (T>C on the coding strand, the complement: TTN is on the minus strand). VCF-style: chr2-178746792-A-G. GRCh37 (hg19) VCF-style: chr2-179611519-A-G.
Other names: c.10360+6332T>C (NM_133378.4); c.10223-4871T>C (NM_003319.4); c.10799-4871T>C (NM_133437.4); c.10598-4871T>C (NM_133432.3); c.10361-4871T>C (NM_001256850.1); c.11312-4871T>C (NM_001267550.2); short protein forms I5203T.
Identifiers: ClinVar variation 166251 (VCV000166251.5), dbSNP rs200376564, ClinGen allele CA179073.

ClinVar aggregate classification (germline): Uncertain significance. Review status: criteria provided, multiple submitters, no conflicts (2 of 4 stars). 2 submissions from 2 submitters: Uncertain significance (2). Last evaluated 2014-08-13.

Allele frequency attached by ClinVar (database versions not stated): gnomAD exomes 0.00004 and 0.00009; ExAC 0.00005; gnomAD 0.00011; 1000 Genomes Project 30x 0.00016; 1000 Genomes Project 0.00020; TOPMed 0.00020.
gnomAD v4.1: 72 of 1,613,406 alleles (0.0045%); highest among the groups gnomAD compares: Admixed American, 0.052%; no homozygotes.

Submissions (2):

Laboratory for Molecular Medicine, Mass General Brigham Personalized Medicine
Classification: Uncertain significance. Last evaluated: 2014-08-13. Review status: criteria provided, single submitter. Criteria: LMM Criteria. Collection method: clinical testing. Allele origin: germline. Observed: 1 variant allele.
Comment: The Ile5203Thr variant in TTN has not been previously reported in individuals wi th cardiomyopathy. This variant has been identified in 1/1323 chromosomes by the ClinSeq project (dbSNP rs200376564). Computational prediction tools and conserv ation analysis are limited or unavailable. In summary, the clinical significance of the Ile5203Thr variant is uncertain.

Biesecker Lab/Clinical Genomics Section, National Institutes of Health
Classification: Uncertain significance. Last evaluated: 2013-06-24. Review status: criteria provided, single submitter. Criteria: Ng et al. (Circ Cardiovasc Genet. 2013). Collection method: research. Allele origin: unknown. Observed: 1 variant allele. Study: ClinSeq.
Comment: The study set was not selected for affection status in relation to any cancer. Pathogenicity categories were based on literature curation. See Pubmed ID:23861362 for details.

Medical sequencing